The following is an entry in ClinVar:

NM_001037333.3(CYFIP2):c.3703G>A (p.Val1235Met)

Genes: CYFIP2 (cytoplasmic FMR1 interacting protein 2; plus strand), NIPAL4-DT (NIPAL4 divergent transcript; minus strand). Cytogenetic location: 5q33.3.
Variant type: single nucleotide variant.
Coding change: c.3703G>A on transcript NM_001037333.3 (MANE Select); coding-DNA position 3703, G replaced by A.
Protein change: p.Val1235Met; replaces valine 1235 with methionine.
Molecular consequence: missense variant.
Genome position (GRCh38, 1-based): chr5:157,392,941, G>A. VCF-style: chr5-157392941-G-A. GRCh37 (hg19) VCF-style: chr5-156819949-G-A.
Other names: c.3703G>A (NM_001037333.1); c.3625G>A, p.Val1209Met (NM_001291721.2); c.3778G>A, p.Val1260Met (NM_001291722.2); c.3703G>A, p.Val1235Met (NM_014376.4); short protein forms V1209M, V1260M, V1235M.
Identifiers: ClinVar variation 2850943 (VCV002850943.26), dbSNP rs1767454128, ClinGen allele CA361983745.

ClinVar aggregate classification (germline): Uncertain significance. Review status: criteria provided, multiple submitters, no conflicts (2 of 4 stars). 3 submissions from 3 submitters: Uncertain significance (3). Last evaluated 2025-08-28.

Conditions:
Inborn genetic diseases. Identifiers: MedGen C0950123, MeSH D030342.

Allele frequency attached by ClinVar (database versions not stated): gnomAD exomes below 0.00001.
gnomAD v4.1: 1 of 1,613,982 alleles (0.000062%); highest among the groups gnomAD compares: Non-Finnish European, 0.000085%; no homozygotes.

Submissions (3):

Ambry Genetics
Classification: Uncertain significance for Inborn genetic diseases. Last evaluated: 2025-08-28. Review status: criteria provided, single submitter. Criteria: Ambry Variant Classification Scheme 2023. Collection method: clinical testing. Allele origin: germline.

CeGaT Center for Human Genetics Tuebingen
Classification: Uncertain significance. Last evaluated: 2024-02-01. Review status: criteria provided, single submitter. Criteria: CeGaT Center For Human Genetics Tuebingen Variant Classification Criteria Version 2. Collection method: clinical testing. Allele origin: germline. Affected: yes. Observed: 1 variant allele.
Comment: CYFIP2: PM2, PS2:Supporting

Labcorp Genetics (formerly Invitae), Labcorp
Classification: Uncertain significance. Last evaluated: 2023-03-30. Review status: criteria provided, single submitter. Criteria: Invitae Variant Classification Sherloc (09022015). Collection method: clinical testing. Allele origin: germline.
Comment: This sequence change replaces valine, which is neutral and non-polar, with methionine, which is neutral and non-polar, at codon 1235 of the CYFIP2 protein (p.Val1235Met). This variant is not present in population databases (gnomAD no frequency). This variant has not been reported in the literature in individuals affected with CYFIP2-related conditions. Experimental studies and prediction algorithms are not available or were not evaluated, and the functional significance of this variant is currently unknown. In summary, the available evidence is currently insufficient to determine the role of this variant in disease. Therefore, it has been classified as a Variant of Uncertain Significance.